The following is an entry in ClinVar:

NM_024408.4(NOTCH2):c.953G>T (p.Arg318Leu)

Gene: NOTCH2 (notch receptor 2; minus strand). Cytogenetic location: 1p12.
Variant type: single nucleotide variant.
Coding change: c.953G>T on transcript NM_024408.4 (MANE Select); coding-DNA position 953, G replaced by T.
Protein change: p.Arg318Leu; replaces arginine 318 with leucine.
Molecular consequence: missense variant.
Genome position (GRCh38, 1-based): chr1:119,969,666, C>A on the plus strand (G>T on the coding strand, the complement: NOTCH2 is on the minus strand). VCF-style: chr1-119969666-C-A. GRCh37 (hg19) VCF-style: chr1-120512289-C-A.
Other names: c.953G>T, p.Arg318Leu (NM_001200001.2); short protein forms R318L.
Identifiers: ClinVar variation 2777644 (VCV002777644.11), dbSNP rs782615247, ClinGen allele CA1040641.

ClinVar aggregate classification (germline): Uncertain significance. Review status: criteria provided, multiple submitters, no conflicts (2 of 4 stars). 2 submissions from 2 submitters: Uncertain significance (2). Last evaluated 2025-08-01.

Conditions:
Hajdu-Cheney syndrome (HJCYS). Also called: SERPENTINE FIBULA-POLYCYSTIC KIDNEY SYNDROME; ACROOSTEOLYSIS WITH OSTEOPOROSIS AND CHANGES IN SKULL AND MANDIBLE; Acroosteolysis dominant type. Identifiers: Orphanet 955, MedGen C0917715, MONDO:0007057, OMIM 102500.

Allele frequency attached by ClinVar (database versions not stated): ExAC 0.00002.
gnomAD v4.1: 5 of 1,614,132 alleles (0.00031%); highest among the groups gnomAD compares: Non-Finnish European, 0.00042%; no homozygotes.

Submissions (2):

CeGaT Center for Human Genetics Tuebingen
Classification: Uncertain significance. Last evaluated: 2025-08-01. Review status: criteria provided, single submitter. Criteria: CeGaT Center For Human Genetics Tuebingen Variant Classification Criteria Version 2. Collection method: clinical testing. Allele origin: germline. Affected: yes. Observed: 1 variant allele.
Comment: NOTCH2: PM2, BP4

Labcorp Genetics (formerly Invitae), Labcorp
Classification: Uncertain significance for Hajdu-Cheney syndrome. Last evaluated: 2023-09-17. Review status: criteria provided, single submitter. Criteria: Invitae Variant Classification Sherloc (09022015). Collection method: clinical testing. Allele origin: germline.
Comment: This variant has not been reported in the literature in individuals affected with NOTCH2-related conditions. This sequence change replaces arginine, which is basic and polar, with leucine, which is neutral and non-polar, at codon 318 of the NOTCH2 protein (p.Arg318Leu). This variant is present in population databases (rs782615247, gnomAD 0.002%). Advanced modeling of protein sequence and biophysical properties (such as structural, functional, and spatial information, amino acid conservation, physicochemical variation, residue mobility, and thermodynamic stability) performed at Invitae indicates that this missense variant is not expected to disrupt NOTCH2 protein function. In summary, the available evidence is currently insufficient to determine the role of this variant in disease. Therefore, it has been classified as a Variant of Uncertain Significance.